The following is an entry in ClinVar:

NM_001829.4(CLCN3):c.1966G>A (p.Asp656Asn)

Gene: CLCN3 (chloride voltage-gated channel 3; plus strand). Cytogenetic location: 4q33.
Variant type: single nucleotide variant.
Coding change: c.1966G>A on transcript NM_001829.4 (MANE Select); coding-DNA position 1966, G replaced by A.
Protein change: p.Asp656Asn; replaces aspartic acid 656 with asparagine.
Molecular consequence: missense variant.
Genome position (GRCh38, 1-based): chr4:169,707,083, G>A. VCF-style: chr4-169707083-G-A. GRCh37 (hg19) VCF-style: chr4-170628234-G-A.
Other names: c.1885G>A, p.Asp629Asn (NM_001243372.2, NM_001243374.2); c.1966G>A, p.Asp656Asn (NM_173872.4); short protein forms D629N, D656N.
Identifiers: ClinVar variation 3373517 (VCV003373517.1).
Genomic context (GRCh38, chr4:169,707,083, plus strand): 5'-TTAAATGGATACCCTTTCTTGGATGCAAAAGAAGAATTCACTCATACCACCCTGGCTGCT[G>A]ACGTTATGAGACCTCGAAGGAATGATCCTCCCTTAGCTGTCCTGACACAGGACAATATGA-3'
Protein context (NP_001820.2, residues 646-666): EEFTHTTLAA[Asp656Asn]VMRPRRNDPP

ClinVar aggregate classification (germline): Uncertain significance (1 of 4 stars; one submission).

gnomAD v4.1: 2 of 1,614,098 alleles (0.00012%); highest among the groups gnomAD compares: Non-Finnish European, 0.00017%; no homozygotes.

Submission:

GeneDx
Classification: Uncertain significance. Last evaluated: 2024-03-04. Review status: criteria provided, single submitter. Criteria: GeneDx Variant Classification Process June 2021. Collection method: clinical testing. Allele origin: germline. Affected: yes.
Comment: Not observed at significant frequency in large population cohorts (gnomAD); In silico analysis supports that this missense variant has a deleterious effect on protein structure/function; Has not been previously published as pathogenic or benign to our knowledge